The following is an entry in ClinVar:

NM_002226.5(JAG2):c.1793C>G (p.Pro598Arg)

Gene: JAG2 (jagged canonical Notch ligand 2; minus strand). Cytogenetic location: 14q32.33.
Variant type: single nucleotide variant.
Coding change: c.1793C>G on transcript NM_002226.5 (MANE Select); coding-DNA position 1793, C replaced by G.
Protein change: p.Pro598Arg; replaces proline 598 with arginine.
Molecular consequence: missense variant.
Genome position (GRCh38, 1-based): chr14:105,149,050, G>C on the plus strand (C>G on the coding strand, the complement: JAG2 is on the minus strand). VCF-style: chr14-105149050-G-C. GRCh37 (hg19) VCF-style: chr14-105615387-G-C.
Other names: p.Pro598Arg; c.1679C>G, p.Pro560Arg (NM_145159.3); short protein forms P560R, P598R.
Identifiers: ClinVar variation 3380249 (VCV003380249.1).

ClinVar aggregate classification (germline): Uncertain significance (1 of 4 stars; one submission).

gnomAD v4.1: 48 of 1,609,146 alleles (0.003%); highest among the groups gnomAD compares: Non-Finnish European, 0.004%; no homozygotes.

Submission:

Mayo Clinic Laboratories, Mayo Clinic
Classification: Uncertain significance. Last evaluated: 2024-06-10. Review status: criteria provided, single submitter. Criteria: ACMG Guidelines, 2015. Collection method: clinical testing. Allele origin: germline. Observed: 1 variant allele.
Comment: BP4